The following is an entry in ClinVar:

NM_021252.5(RAB18):c.*758A>T

Gene: RAB18 (RAB18, member RAS oncogene family; plus strand). Cytogenetic location: 10p12.1.
Variant type: single nucleotide variant.
Coding change: c.*758A>T on transcript NM_021252.5 (MANE Select); 758 bases downstream of the stop codon, A replaced by T.
Molecular consequence: 3 prime UTR variant. On other transcripts: non-coding transcript variant (1).
Genome position (GRCh38, 1-based): chr10:27,538,809, A>T. VCF-style: chr10-27538809-A-T. GRCh37 (hg19) VCF-style: chr10-27827738-A-T.
Other names: c.*758A>T (NM_001256410.2, NM_001256412.2); c.*718A>T (NM_001256411.2).
Identifiers: ClinVar variation 299835 (VCV000299835.5), dbSNP rs10508722, ClinGen allele CA5452491.
Genomic context (GRCh38, chr10:27,538,809, plus strand): 5'-TAGTTATGTGGTGTTTGGCAGAATGACAATAAGGTTTTCCCCCATTTTGGTTTCAGGAGG[A>T]CATGAATAGTGTGTTTATTGTAACTCCTCATACACTTTTAAAACCAACATCTTTTTTCAT-3'

ClinVar aggregate classification (germline): Benign (1 of 4 stars; one submission).

Conditions:
Warburg micro syndrome 3 (WARBM3). Also called: MICRO SYNDROME 3. Identifiers: Orphanet 2510, MedGen C3280203, MONDO:0013638, OMIM 614222.

Allele frequency attached by ClinVar (database versions not stated): ExAC 0.00446; gnomAD 0.00879 and 0.01057; gnomAD exomes 0.01087 and 0.02127; TOPMed 0.01180; 1000 Genomes Project 0.03474.
gnomAD v4.1: 4,930 of 454,044 alleles (1.1%); highest among the groups gnomAD compares: East Asian, 16%; 231 homozygotes.

Submission:

Illumina Laboratory Services, Illumina
Classification: Benign for Warburg micro syndrome 3. Last evaluated: 2018-01-12. Review status: criteria provided, single submitter. Criteria: ICSL Variant Classification Criteria 13 December 2019. Collection method: clinical testing. Allele origin: germline.
Comment: This variant was observed in the ICSL laboratory as part of a predisposition screen in an ostensibly healthy population. It had not been previously curated by ICSL or reported in the Human Gene Mutation Database (HGMD: prior to June 1st, 2018), and was therefore a candidate for classification through an automated scoring system. Utilizing variant allele frequency, disease prevalence and penetrance estimates, and inheritance mode, an automated score was calculated to assess if this variant is too frequent to cause the disease. Based on the score and internal cut-off values, a variant classified as benign is not then subjected to further curation. The score for this variant resulted in a classification of benign for this disease.